The following is an entry in ClinVar:

NM_000059.4(BRCA2):c.6608T>A (p.Val2203Asp)

Gene: BRCA2 (BRCA2 DNA repair associated; plus strand). Cytogenetic location: 13q13.1.
Variant type: single nucleotide variant.
Coding change: c.6608T>A on transcript NM_000059.4 (MANE Select); coding-DNA position 6608, T replaced by A.
Protein change: p.Val2203Asp; replaces valine 2203 with aspartic acid.
Molecular consequence: missense variant.
Genome position (GRCh38, 1-based): chr13:32,340,963, T>A. VCF-style: chr13-32340963-T-A. GRCh37 (hg19) VCF-style: chr13-32915100-T-A.
Other names: c.6608T>A, p.Val2203Asp (NM_001406719.1, NM_001406720.1); short protein forms V2203D.
Identifiers: ClinVar variation 2125328 (VCV002125328.7), dbSNP rs2137529004, ClinGen allele CA387790139.
Genomic context (GRCh38, chr13:32,340,963, plus strand): 5'-AACAGGCTTCACCTAAAAACGTAAAAATGGAAATTGGTAAAACTGAAACTTTTTCTGATG[T>A]TCCTGTGAAAACAAATATAGAAGTTTGTTCTACTTACTCCAAAGATTCAGAAAACTACTT-3'
Protein context (NP_000050.3, residues 2193-2213): EIGKTETFSD[Val2203Asp]PVKTNIEVCS

ClinVar aggregate classification (germline): Conflicting classifications of pathogenicity. Review status: criteria provided, conflicting classifications (1 of 4 stars). 3 submissions from 3 submitters: Uncertain significance (2); Likely benign (1). Last evaluated 2025-01-13.

Conditions:
Hereditary cancer-predisposing syndrome. Also called: Hereditary neoplastic syndrome; Tumor predisposition; Hereditary Cancer Syndrome; Neoplastic Syndromes, Hereditary. Identifiers: Orphanet 140162, MedGen C0027672, MeSH D009386, MONDO:0015356.
Hereditary breast ovarian cancer syndrome. Also called: Hereditary breast and ovarian cancer syndrome; BRCA1- and BRCA2-Associated Hereditary Breast and Ovarian Cancer; Hereditary breast and ovarian cancer syndrome (HBOC); Hereditary breast and/or ovarian cancer syndrome; Hereditary breast and ovarian cancer; Breast and ovarian cancer. Identifiers: Orphanet 145, MedGen C0677776, MeSH D061325, MONDO:0003582. Disease mechanism: loss of function.

Submissions (3):

Ambry Genetics
Classification: Uncertain significance for Hereditary cancer-predisposing syndrome. Last evaluated: 2025-01-13. Review status: criteria provided, single submitter. Criteria: Ambry Variant Classification Scheme 2023. Collection method: clinical testing. Allele origin: germline.
Comment: The p.V2203D variant (also known as c.6608T>A), located in coding exon 10 of the BRCA2 gene, results from a T to A substitution at nucleotide position 6608. The valine at codon 2203 is replaced by aspartic acid, an amino acid with highly dissimilar properties. This amino acid position is conserved. In addition, this alteration is predicted to be tolerated by in silico analysis. Based on the available evidence, the clinical significance of this variant remains unclear.

University of Washington Department of Laboratory Medicine, University of Washington
Classification: Likely benign for Hereditary cancer-predisposing syndrome. Last evaluated: 2023-03-23. Review status: criteria provided, single submitter. Criteria: Dines et al. (Genet Med. 2020). Collection method: curation. Allele origin: germline.
Comment: Missense variant in a coldspot region where missense variants are very unlikely to be pathogenic (PMID:31911673).

BRCA2 exon 11 coldspot. Reclassification based on statistical prior probability.

Labcorp Genetics (formerly Invitae), Labcorp
Classification: Uncertain significance for Hereditary breast ovarian cancer syndrome. Last evaluated: 2022-04-29. Review status: criteria provided, single submitter. Criteria: Invitae Variant Classification Sherloc (09022015). Collection method: clinical testing. Allele origin: germline.
Comment: In summary, the available evidence is currently insufficient to determine the role of this variant in disease. Therefore, it has been classified as a Variant of Uncertain Significance. Advanced modeling of protein sequence and biophysical properties (such as structural, functional, and spatial information, amino acid conservation, physicochemical variation, residue mobility, and thermodynamic stability) performed at Invitae indicates that this missense variant is not expected to disrupt BRCA2 protein function. This variant has not been reported in the literature in individuals affected with BRCA2-related conditions. This variant is not present in population databases (gnomAD no frequency). This sequence change replaces valine, which is neutral and non-polar, with aspartic acid, which is acidic and polar, at codon 2203 of the BRCA2 protein (p.Val2203Asp).